The following is an entry in ClinVar:

NM_005068.3(SIM1):c.2267A>G (p.Lys756Arg)

Gene: SIM1 (SIM bHLH transcription factor 1; minus strand). Cytogenetic location: 6q16.3.
Variant type: single nucleotide variant.
Coding change: c.2267A>G on transcript NM_005068.3 (MANE Select); coding-DNA position 2267, A replaced by G.
Protein change: p.Lys756Arg; replaces lysine 756 with arginine.
Molecular consequence: missense variant.
Genome position (GRCh38, 1-based): chr6:100,390,395, T>C on the plus strand (A>G on the coding strand, the complement: SIM1 is on the minus strand). VCF-style: chr6-100390395-T-C. GRCh37 (hg19) VCF-style: chr6-100838271-T-C.
Other names: c.2267A>G, p.Lys756Arg (NM_001374769.1); short protein forms K756R.
Identifiers: ClinVar variation 813617 (VCV000813617.6), dbSNP rs762042848, ClinGen allele CA3936838.

ClinVar aggregate classification (germline): Uncertain significance. Review status: criteria provided, multiple submitters, no conflicts (2 of 4 stars). 3 submissions from 3 submitters: Uncertain significance (2). 1 of the submissions does not count toward it. Last evaluated 2026-01-09.

Conditions:
SIM1-related disorder. Also called: SIM1-related disorders; SIM1-related condition.
Microcephaly. Also called: Microcephaly (disease). Identifiers: MedGen C4551563, MONDO:0001149, HP:0000252.
Obesity due to SIM1 deficiency. Identifiers: Orphanet 369873, MedGen C5191050, MONDO:0018244.

Allele frequency attached by ClinVar (database versions not stated): gnomAD 0.00001; gnomAD exomes 0.00003 and 0.00005; TOPMed 0.00003; ExAC 0.00006.
gnomAD v4.1: 42 of 1,613,970 alleles (0.0026%); highest among the groups gnomAD compares: East Asian, 0.089%; no homozygotes.

Submissions (3):

PreventionGenetics, part of Exact Sciences
Classification: Uncertain significance for SIM1-related condition. Last evaluated: 2026-01-09. Review status: criteria provided, single submitter. Criteria: ACMG Guidelines, 2015. Collection method: clinical testing. Allele origin: germline.
Comment: The SIM1 c.2267A>G variant is predicted to result in the amino acid substitution p.Lys756Arg. To our knowledge, this variant has not been reported in the literature. This variant is reported in 0.065% of alleles in individuals of East Asian descent in gnomAD, which may be too frequent to be a primary cause of disease. Although we suspect this variant may be benign, at this time, the clinical significance of this variant is uncertain due to the absence of conclusive functional and genetic evidence.

Illumina Laboratory Services, Illumina
Classification: Uncertain significance for Obesity due to SIM1 deficiency. Last evaluated: 2018-01-13. Review status: criteria provided, single submitter. Criteria: ICSL Variant Classification Criteria 13 December 2019. Collection method: clinical testing. Allele origin: germline.

Department of Pediatrics, Samsung Medical Center, Samsung Medical Center
Classification: Uncertain significance for Microcephaly. Review status: no assertion criteria provided. Criteria: ACMG Guidelines, 2015. Collection method: research. Allele origin: germline. Affected: yes. Not counted in ClinVar's aggregate classification.